The following is an entry in ClinVar:

NM_006341.4(MAD2L2):c.428-9C>G

Gene: MAD2L2 (mitotic arrest deficient 2 like 2; minus strand). Cytogenetic location: 1p36.22.
Variant type: single nucleotide variant.
Coding change: c.428-9C>G on transcript NM_006341.4 (MANE Select); 9 bases into the intron before coding-DNA position 428, C replaced by G.
Molecular consequence: intron variant.
Genome position (GRCh38, 1-based): chr1:11,675,740, G>C on the plus strand (C>G on the coding strand, the complement: MAD2L2 is on the minus strand). VCF-style: chr1-11675740-G-C. GRCh37 (hg19) VCF-style: chr1-11735797-G-C.
Other names: c.428-9C>G (NM_001127325.2).
Identifiers: ClinVar variation 3678506 (VCV003678506.2).
Genomic context (GRCh38, chr1:11,675,740, plus strand): 5'-ATGTTGCGAGTGGCGGCTTCTCTCGTGTGCACCAGGACTGTGAAGGTACAGCCTGGAGAG[G>C]CAAGAGGTTGGTGGAGGCTCCCCCACCGCCCTGGTGCCAGCCACTGGGCCCAGCCTCTTC-3'

ClinVar aggregate classification (germline): Uncertain significance (1 of 4 stars; one submission).

gnomAD v4.1: 36 of 1,613,402 alleles (0.0022%); highest among the groups gnomAD compares: Non-Finnish European, 0.0031%; no homozygotes.

Submission:

Labcorp Genetics (formerly Invitae), Labcorp
Classification: Uncertain significance. Last evaluated: 2024-11-27. Review status: criteria provided, single submitter. Criteria: Invitae Variant Classification Sherloc (09022015). Collection method: clinical testing. Allele origin: germline.
Comment: This sequence change falls in intron 6 of the MAD2L2 gene. It does not directly change the encoded amino acid sequence of the MAD2L2 protein. This variant is present in population databases (no rsID available, gnomAD 0.003%). This variant has not been reported in the literature in individuals affected with MAD2L2-related conditions. Algorithms developed to predict the effect of sequence changes on RNA splicing suggest that this variant may create or strengthen a splice site. In summary, the available evidence is currently insufficient to determine the role of this variant in disease. Therefore, it has been classified as a Variant of Uncertain Significance.